The following is an entry in ClinVar:

ClinVar aggregate classification (germline): Uncertain significance (1 of 4 stars; one submission).

Conditions:
AFF4-related disorder. Also called: AFF4-related condition.

Submission:

PreventionGenetics, part of Exact Sciences
Classification: Uncertain significance for AFF4-related condition. Last evaluated: 2024-11-21. Review status: criteria provided, single submitter. Criteria: ACMG Guidelines, 2015. Collection method: clinical testing. Allele origin: germline.
Comment: The AFF4 c.794C>G variant is predicted to result in the amino acid substitution p.Ser265Cys. To our knowledge, this variant has not been reported in the literature or in a large population database (gnomAD), indicating this variant is rare. At this time, the clinical significance of this variant is uncertain due to the absence of conclusive functional and genetic evidence.

NM_014423.4(AFF4):c.794C>G (p.Ser265Cys)

Gene: AFF4 (ALF transcription elongation factor 4; minus strand). Cytogenetic location: 5q31.1.
Variant type: single nucleotide variant.
Coding change: c.794C>G on transcript NM_014423.4 (MANE Select); coding-DNA position 794, C replaced by G.
Protein change: p.Ser265Cys; replaces serine 265 with cysteine.
Molecular consequence: missense variant.
Genome position (GRCh38, 1-based): chr5:132,934,271, G>C on the plus strand (C>G on the coding strand, the complement: AFF4 is on the minus strand). VCF-style: chr5-132934271-G-C. GRCh37 (hg19) VCF-style: chr5-132269963-G-C.
Other names: short protein forms S265C.
Identifiers: ClinVar variation 5000443 (VCV005000443.1).